The following is an entry in ClinVar:

NM_012418.4(FSCN2):c.1387G>C (p.Ala463Pro)

Gene: FSCN2 (fascin actin-bundling protein 2, retinal; plus strand). Cytogenetic location: 17q25.3.
Variant type: single nucleotide variant.
Coding change: c.1387G>C on transcript NM_012418.4 (MANE Select); coding-DNA position 1387, G replaced by C.
Protein change: p.Ala463Pro; replaces alanine 463 with proline.
Molecular consequence: missense variant.
Genome position (GRCh38, 1-based): chr17:81,536,988, G>C. VCF-style: chr17-81536988-G-C. GRCh37 (hg19) VCF-style: chr17-79504014-G-C.
Other names: c.1459G>C, p.Ala487Pro (NM_001077182.3); short protein forms A487P, A463P.
Identifiers: ClinVar variation 1380311 (VCV001380311.6), dbSNP rs1230878675, ClinGen allele CA401478824.
Genomic context (GRCh38, chr17:81,536,988, plus strand): 5'-GGCGAACGCGCCGAGGACTTCGTCTTCGAGTTCCGTGAGCGCGGCCGCCTGGCCATCCGC[G>C]CCCGGAGCGGCAAGTACCTGCGCGGCGGCGCCTCGGGCCTGCTGCGGGCCGATGCCGACG-3'
Protein context (NP_036550.1, residues 453-473): FRERGRLAIR[Ala463Pro]RSGKYLRGGA

ClinVar aggregate classification (germline): Uncertain significance (1 of 4 stars; one submission).

Allele frequency attached by ClinVar (database versions not stated): gnomAD exomes below 0.00001 and 0.00002.
gnomAD v4.1: 1 of 1,527,602 alleles (0.000065%); highest among the groups gnomAD compares: Non-Finnish European, 0.000087%; no homozygotes.

Submission:

Labcorp Genetics (formerly Invitae), Labcorp
Classification: Uncertain significance. Last evaluated: 2022-08-17. Review status: criteria provided, single submitter. Criteria: Invitae Variant Classification Sherloc (09022015). Collection method: clinical testing. Allele origin: germline.
Comment: Algorithms developed to predict the effect of missense changes on protein structure and function are either unavailable or do not agree on the potential impact of this missense change (SIFT: "Deleterious"; PolyPhen-2: "Possibly Damaging"; Align-GVGD: "Class C0"). In summary, the available evidence is currently insufficient to determine the role of this variant in disease. Therefore, it has been classified as a Variant of Uncertain Significance. ClinVar contains an entry for this variant (Variation ID: 1380311). This variant has not been reported in the literature in individuals affected with FSCN2-related conditions. This variant is present in population databases (no rsID available, gnomAD 0.002%). This sequence change replaces alanine, which is neutral and non-polar, with proline, which is neutral and non-polar, at codon 487 of the FSCN2 protein (p.Ala487Pro).